The following is an entry in ClinVar:

ClinVar aggregate classification (germline): Conflicting classifications of pathogenicity. Review status: criteria provided, conflicting classifications (1 of 4 stars). 5 submissions from 5 submitters: Uncertain significance (3); Benign (1); Likely benign (1). Last evaluated 2026-04-20.

Conditions:
Coffin-Siris syndrome. Identifiers: Orphanet 1465, MedGen C0265338, MONDO:0015452.
Hereditary cancer-predisposing syndrome. Also called: Hereditary Cancer Syndrome; Neoplastic Syndromes, Hereditary; Tumor predisposition; Hereditary neoplastic syndrome. Identifiers: Orphanet 140162, MedGen C0027672, MeSH D009386, MONDO:0015356.
SMARCA4-related disorder. Also called: SMARCA4-related condition.
Rhabdoid tumor predisposition syndrome 2 (RTPS2). Identifiers: Orphanet 231108, Orphanet 69077, MedGen C2750074, MONDO:0013224, OMIM 613325.
Intellectual disability, autosomal dominant 16 (CSS4). Also called: COFFIN-SIRIS SYNDROME 4. Identifiers: Orphanet 1465, MedGen C3553249, MONDO:0013821, OMIM 614609.
Otosclerosis 12. Identifiers: MedGen C5935610, MONDO:0968980, OMIM 620792.

Allele frequency attached by ClinVar (database versions not stated): gnomAD exomes below 0.00001 and 0.00001; ExAC 0.00002; gnomAD 0.00002; TOPMed 0.00002.
gnomAD v4.1: 11 of 1,596,902 alleles (0.00069%); highest among the groups gnomAD compares: East Asian, 0.0046%; no homozygotes.

Submissions (5):

PreventionGenetics, part of Exact Sciences
Classification: Uncertain significance for SMARCA4-related condition. Last evaluated: 2026-04-20. Review status: criteria provided, single submitter. Criteria: ACMG Guidelines, 2015. Collection method: clinical testing. Allele origin: germline.
Comment: The SMARCA4 c.4256G>A variant is predicted to result in the amino acid substitution p.Arg1419His. To our knowledge, this variant has not been reported in the literature. This variant is reported in 0.0066% of alleles in individuals of Latino descent in gnomAD. This variant has interpretations ranging from benign to uncertain significance in ClinVar (Variation ID: 328037). At this time, the clinical significance of this variant is uncertain due to the absence of conclusive functional and genetic evidence.

Labcorp Genetics (formerly Invitae), Labcorp
Classification: Uncertain significance for Rhabdoid tumor predisposition syndrome 2. Last evaluated: 2025-12-14. Review status: criteria provided, single submitter. Criteria: Invitae Variant Classification Sherloc (09022015). Collection method: clinical testing. Allele origin: germline.
Comment: This sequence change replaces arginine, which is basic and polar, with histidine, which is basic and polar, at codon 1419 of the SMARCA4 protein (p.Arg1419His). The frequency data for this variant in the population databases is considered unreliable, as metrics indicate poor data quality at this position in the gnomAD database. This variant has not been reported in the literature in individuals affected with SMARCA4-related conditions. ClinVar contains an entry for this variant (Variation ID: 328037). An algorithm developed to predict the effect of missense changes on protein structure and function (PolyPhen-2) suggests that this variant is likely to be tolerated. In summary, the available evidence is currently insufficient to determine the role of this variant in disease. Therefore, it has been classified as a Variant of Uncertain Significance.

Fulgent Genetics
Classification: Uncertain significance for Rhabdoid tumor predisposition syndrome 2; Intellectual disability, autosomal dominant 16; Otosclerosis 12. Last evaluated: 2024-04-15. Review status: criteria provided, single submitter. Criteria: ACMG Guidelines, 2015. Collection method: clinical testing. Allele origin: germline.

Ambry Genetics
Classification: Likely benign for Hereditary cancer-predisposing syndrome. Last evaluated: 2022-09-30. Review status: criteria provided, single submitter. Criteria: Ambry Variant Classification Scheme 2023. Collection method: clinical testing. Allele origin: germline.

Illumina Laboratory Services, Illumina
Classification: Benign for Coffin-Siris syndrome. Last evaluated: 2018-01-12. Review status: criteria provided, single submitter. Criteria: ICSL Variant Classification Criteria 13 December 2019. Collection method: clinical testing. Allele origin: germline.
Comment: This variant was observed in the ICSL laboratory as part of a predisposition screen in an ostensibly healthy population. It had not been previously curated by ICSL or reported in the Human Gene Mutation Database (HGMD: prior to June 1st, 2018), and was therefore a candidate for classification through an automated scoring system. Utilizing variant allele frequency, disease prevalence and penetrance estimates, and inheritance mode, an automated score was calculated to assess if this variant is too frequent to cause the disease. Based on the score and internal cut-off values, a variant classified as benign is not then subjected to further curation. The score for this variant resulted in a classification of benign for this disease.

NM_001387283.1(SMARCA4):c.4256G>A (p.Arg1419His)

Gene: SMARCA4 (SWI/SNF related BAF chromatin remodeling complex subunit ATPase 4; plus strand). Cytogenetic location: 19p13.2.
Variant type: single nucleotide variant.
Coding change: c.4256G>A on transcript NM_001387283.1 (MANE Plus Clinical); coding-DNA position 4256, G replaced by A.
Protein change: p.Arg1419His; replaces arginine 1419 with histidine.
Molecular consequence: missense variant. On other transcripts: intron variant (7).
Genome position (GRCh38, 1-based): chr19:11,039,543, G>A. VCF-style: chr19-11039543-G-A. GRCh37 (hg19) VCF-style: chr19-11150219-G-A.
Other names: c.4256G>A, p.Arg1419His (NM_001128849.3); c.4171-1764G>A (NM_001128844.3, NM_003072.5); c.4072-1764G>A (NM_001128847.4, NM_001374457.1, NM_001128848.2); c.4072-1755G>A (NM_001128845.2, NM_001128846.2); c.4256G>A (NM_001128849.2); short protein forms R1419H.
Identifiers: ClinVar variation 328037 (VCV000328037.18), dbSNP rs775807962, ClinGen allele CA9204642.
Genomic context (GRCh38, chr19:11,039,543, plus strand): 5'-ACACAGCCAGCAGTGTGGCACGTGGGCTACAATTCCAGCGTGGCCTTCAGTTCTGCACAC[G>A]TGCGTCAAAGGTGGGGAGAGTTCTGGTGGTGGGTGGCGCTGAGGGCTGCACAACACTGGG-3'
Protein context (NP_001374212.1, residues 1409-1429): QFQRGLQFCT[Arg1419His]ASKAIEEGTL